The following is an entry in ClinVar:

NM_001298.3(CNGA3):c.459G>A (p.Thr153=)

Gene: CNGA3 (cyclic nucleotide gated channel subunit alpha 3; plus strand). Cytogenetic location: 2q11.2.
Variant type: single nucleotide variant.
Coding change: c.459G>A on transcript NM_001298.3 (MANE Select); coding-DNA position 459, G replaced by A.
Protein change: p.Thr153=; no amino-acid change (threonine 153 retained).
Molecular consequence: synonymous variant.
Genome position (GRCh38, 1-based): chr2:98,389,667, G>A. VCF-style: chr2-98389667-G-A. GRCh37 (hg19) VCF-style: chr2-99006130-G-A.
Other names: c.405G>A, p.Thr135= (NM_001079878.2); c.459G>A (NM_001298.2).
Identifiers: ClinVar variation 1559548 (VCV001559548.11), dbSNP rs764028648, ClinGen allele CA1793765.

ClinVar aggregate classification (germline): Likely benign. Review status: criteria provided, multiple submitters, no conflicts (2 of 4 stars). 4 submissions from 4 submitters: Likely benign (4). Last evaluated 2026-05-13.

Conditions:
CNGA3-related disorder. Also called: CNGA3-related condition.

Allele frequency attached by ClinVar (database versions not stated): gnomAD 0.00001 and 0.00002; ExAC 0.00002; TOPMed 0.00002; gnomAD exomes 0.00003 and 0.00005; 1000 Genomes Project 30x 0.00016.
gnomAD v4.1: 76 of 1,613,934 alleles (0.0047%); highest among the groups gnomAD compares: Non-Finnish European, 0.006%; no homozygotes.

Submissions (4):

PreventionGenetics, part of Exact Sciences
Classification: Likely benign for CNGA3-related condition. Last evaluated: 2026-05-13. Review status: criteria provided, single submitter. Criteria: ACMG Guidelines, 2015. Collection method: clinical testing. Allele origin: germline.
Comment: This variant is classified as likely benign based on ACMG/AMP sequence variant interpretation guidelines (Richards et al. 2015 PMID: 25741868, with internal and published modifications).

Labcorp Genetics (formerly Invitae), Labcorp
Classification: Likely benign. Last evaluated: 2024-01-15. Review status: criteria provided, single submitter. Criteria: Invitae Variant Classification Sherloc (09022015). Collection method: clinical testing. Allele origin: germline.

Blueprint Genetics
Classification: Likely benign. Last evaluated: 2023-11-09. Review status: criteria provided, single submitter. Criteria: ACMG Guidelines, 2015. Collection method: clinical testing. Allele origin: germline.

Breakthrough Genomics
Classification: Likely benign. Review status: criteria provided, single submitter. Criteria: ACMG Guidelines, 2015. Collection method: not provided. Allele origin: germline. Inheritance: Autosomal recessive inheritance. Affected: yes.